The following is an entry in ClinVar:

ClinVar aggregate classification (germline): Uncertain significance (1 of 4 stars; one submission).

Submission:

Quest Diagnostics Nichols Institute San Juan Capistrano
Classification: Uncertain significance. Last evaluated: 2023-07-21. Review status: criteria provided, single submitter. Criteria: Quest Diagnostics criteria. Collection method: clinical testing. Allele origin: unknown.
Comment: To the best of our knowledge, this variant has not been reported in the published literature. It also has not been reported in large, multi-ethnic general populations (Genome Aggregation Database). Analysis of this variant using software algorithms for the prediction of the effect of nucleotide changes on APC mRNA splicing yielded predictions that this variant may result in the gain of a cryptic splice site without affecting the natural splice sites . Based on the available information, we are unable to determine the clinical significance of this variant.

NM_000038.6(APC):c.2901C>G (p.Val967=)

Gene: APC (APC regulator of WNT signaling pathway; plus strand). Cytogenetic location: 5q22.2.
Variant type: single nucleotide variant.
Coding change: c.2901C>G on transcript NM_000038.6 (MANE Select); coding-DNA position 2901, C replaced by G.
Protein change: p.Val967=; no amino-acid change (valine 967 retained).
Molecular consequence: synonymous variant. On other transcripts: non-coding transcript variant (2).
Genome position (GRCh38, 1-based): chr5:112,838,495, C>G. VCF-style: chr5-112838495-C-G. GRCh37 (hg19) VCF-style: chr5-112174192-C-G.
Other names: c.2901C>G, p.Val967= (NM_001127510.3, NM_001354895.2, NM_001407450.1); c.2847C>G, p.Val949= (NM_001127511.3); c.2955C>G, p.Val985= (NM_001354896.2, NM_001407447.1, NM_001407448.1 and 1 more transcripts); c.2931C>G, p.Val977= (NM_001354897.2); c.2826C>G, p.Val942= (NM_001354898.2); c.2817C>G, p.Val939= (NM_001354899.2); c.2778C>G, p.Val926= (NM_001354900.2); c.2724C>G, p.Val908= (NM_001354901.2, NM_001407453.1); and 11 more.
Identifiers: ClinVar variation 2682135 (VCV002682135.1), dbSNP rs1060504876, ClinGen allele CA445963060.
Genomic context (GRCh38, chr5:112,838,495, plus strand): 5'-TTCTATGCCTTATGCCAAATTAGAATACAAGAGATCTTCAAATGATAGTTTAAATAGTGT[C>G]AGTAGTAGTGATGGTTATGGTAAAAGAGGTCAAATGAAACCCTCGATTGAATCCTATTCT-3'
Protein context (NP_000029.2, residues 957-977): KRSSNDSLNS[Val967=]SSSDGYGKRG